The following is an entry in ClinVar:

ClinVar aggregate classification (germline): Uncertain significance. Review status: criteria provided, multiple submitters, no conflicts (2 of 4 stars). 2 submissions from 2 submitters: Uncertain significance (2). Last evaluated 2025-08-28.

Conditions:
Inborn genetic diseases. Identifiers: MedGen C0950123, MeSH D030342.

gnomAD v4.1: 5 of 1,613,864 alleles (0.00031%); highest among the groups gnomAD compares: Admixed American, 0.0067%; no homozygotes.

Submissions (2):

Ambry Genetics
Classification: Uncertain significance for Inborn genetic diseases. Last evaluated: 2025-08-28. Review status: criteria provided, single submitter. Criteria: Ambry Variant Classification Scheme 2023. Collection method: clinical testing. Allele origin: germline.

Labcorp Genetics (formerly Invitae), Labcorp
Classification: Uncertain significance. Last evaluated: 2024-07-13. Review status: criteria provided, single submitter. Criteria: Invitae Variant Classification Sherloc (09022015). Collection method: clinical testing. Allele origin: germline.
Comment: This sequence change replaces leucine, which is neutral and non-polar, with glutamine, which is neutral and polar, at codon 1235 of the DCHS1 protein (p.Leu1235Gln). This variant is present in population databases (rs769081504, gnomAD 0.003%). This variant has not been reported in the literature in individuals affected with DCHS1-related conditions. Advanced modeling of protein sequence and biophysical properties (such as structural, functional, and spatial information, amino acid conservation, physicochemical variation, residue mobility, and thermodynamic stability) performed at Invitae indicates that this missense variant is expected to disrupt DCHS1 protein function with a positive predictive value of 80%. In summary, the available evidence is currently insufficient to determine the role of this variant in disease. Therefore, it has been classified as a Variant of Uncertain Significance.

NM_003737.4(DCHS1):c.3704T>A (p.Leu1235Gln)

Gene: DCHS1 (dachsous cadherin-related 1; minus strand). Cytogenetic location: 11p15.4.
Variant type: single nucleotide variant.
Coding change: c.3704T>A on transcript NM_003737.4 (MANE Select); coding-DNA position 3704, T replaced by A.
Protein change: p.Leu1235Gln; replaces leucine 1235 with glutamine.
Molecular consequence: missense variant.
Genome position (GRCh38, 1-based): chr11:6,631,379, A>T on the plus strand (T>A on the coding strand, the complement: DCHS1 is on the minus strand). VCF-style: chr11-6631379-A-T. GRCh37 (hg19) VCF-style: chr11-6652610-A-T.
Other names: c.3704T>A (NM_003737.2); short protein forms L1235Q.
Identifiers: ClinVar variation 3702012 (VCV003702012.3).
Genomic context (GRCh38, chr11:6,631,379, plus strand): 5'-GTGTACAAGATGGTCCCATTCTCCCCCTCATCTGGATCCTTCGCCTGCAGAGTCGTCACC[A>T]GTGTTCCCGGAGGCACGCGGTCTGGTACCTGTGGGAACACAACTCACCTAGTGAGTCTCT-3'
Protein context (NP_003728.1, residues 1225-1245): QVPDRVPPGT[Leu1235Gln]VTTLQAKDPD